The following is an entry in ClinVar:

NM_004247.4(EFTUD2):c.2353C>T (p.Arg785Trp)

Gene: EFTUD2 (elongation factor Tu GTP binding domain containing 2; minus strand). Cytogenetic location: 17q21.31.
Variant type: single nucleotide variant.
Coding change: c.2353C>T on transcript NM_004247.4 (MANE Select); coding-DNA position 2353, C replaced by T.
Protein change: p.Arg785Trp; replaces arginine 785 with tryptophan.
Molecular consequence: missense variant.
Genome position (GRCh38, 1-based): chr17:44,853,630, G>A on the plus strand (C>T on the coding strand, the complement: EFTUD2 is on the minus strand). VCF-style: chr17-44853630-G-A. GRCh37 (hg19) VCF-style: chr17-42930998-G-A.
Other names: c.2248C>T, p.Arg750Trp (NM_001142605.2); c.2353C>T, p.Arg785Trp (NM_001258353.2); c.2323C>T, p.Arg775Trp (NM_001258354.2); short protein forms R750W, R785W, R775W.
Identifiers: ClinVar variation 4736772 (VCV004736772.1).

ClinVar aggregate classification (germline): Uncertain significance (1 of 4 stars; one submission).

gnomAD v4.1: 2 of 1,614,098 alleles (0.00012%); highest among the groups gnomAD compares: Non-Finnish European, 0.00017%; no homozygotes.

Submission:

Labcorp Genetics (formerly Invitae), Labcorp
Classification: Uncertain significance. Last evaluated: 2025-10-24. Review status: criteria provided, single submitter. Criteria: Invitae Variant Classification Sherloc (09022015). Collection method: clinical testing. Allele origin: germline.
Comment: This sequence change replaces arginine, which is basic and polar, with tryptophan, which is neutral and slightly polar, at codon 785 of the EFTUD2 protein (p.Arg785Trp). This variant is not present in population databases (gnomAD no frequency). This variant has not been reported in the literature in individuals affected with EFTUD2-related conditions. Invitae Evidence Modeling of protein sequence and biophysical properties (such as structural, functional, and spatial information, amino acid conservation, physicochemical variation, residue mobility, and thermodynamic stability) indicates that this missense variant is expected to disrupt EFTUD2 protein function with a positive predictive value of 80%. In summary, the available evidence is currently insufficient to determine the role of this variant in disease. Therefore, it has been classified as a Variant of Uncertain Significance.